The following is an entry in ClinVar:

NM_001384140.1(PCDH15):c.4427_4430dup (p.Arg1478fs)

Gene: PCDH15 (protocadherin related 15; minus strand). Cytogenetic location: 10q21.1.
Variant type: Duplication.
Coding change: c.4427_4430dup on transcript NM_001384140.1 (MANE Select); coding-DNA positions 4427 to 4430, 4 bases duplicated (TGAC; older notation c.4427_4430dupTGAC).
Protein change: p.Arg1478fs; shifts the reading frame from arginine 1478.
Molecular consequence: frameshift variant. On other transcripts: intron variant (7).
Genome position (GRCh38, 1-based): chr10:53,820,168-53,820,171, GTCA duplicated on the plus strand (TGAC on the coding strand, the reverse complement: PCDH15 is on the minus strand); duplicating any 4 consecutive bases within chr10:53,820,168-53,820,172 gives the same sequence; the c. name uses the placement nearest the transcript's 3' end. VCF-style (leftmost placement, unchanged base first): chr10-53820167-T-TGTCA. GRCh37 (hg19) VCF-style: chr10-55579927-T-TGTCA.
Other names: c.4427_4430dupTGAC (NM_001384140.1); c.4367+7222_4367+7225dup (NM_001354420.2); c.4368-2158_4368-2155dup (NM_001354429.2); c.4373+4965_4373+4968dup (NM_001142772.2, NM_001142770.3); c.4388+4965_4388+4968dup (NM_001142771.2); c.4388+7222_4388+7225dup (NM_001354411.2); c.4409+4965_4409+4968dup (NM_001142769.3); short protein forms R1478fs.
Identifiers: ClinVar variation 4850595 (VCV004850595.1).

ClinVar aggregate classification (germline): Likely pathogenic (1 of 4 stars; one submission).

Conditions:
Autosomal recessive nonsyndromic hearing loss 23. Identifiers: Orphanet 90636, MedGen C1836027, MONDO:0012293, OMIM 609533.
Usher syndrome type 1F (USH1F). Also called: USHER SYNDROME, TYPE IF. Identifiers: Orphanet 231169, Orphanet 886, MedGen C1865885, MONDO:0011186, OMIM 602083.

Submission:

First Genomix Gene Laboratory, Genetic Diagnostics Department
Classification: Likely pathogenic for Autosomal recessive nonsyndromic hearing loss 23; Usher syndrome type 1F. Last evaluated: 2025-08-05. Review status: criteria provided, single submitter. Criteria: ACMG Guidelines, 2015. Collection method: clinical testing. Allele origin: germline. Inheritance: Autosomal recessive inheritance. Affected: no. Observed: 1 variant allele.